The following is an entry in ClinVar:

NM_001845.6(COL4A1):c.1025A>T (p.Glu342Val)

Gene: COL4A1 (collagen type IV alpha 1 chain; minus strand). Cytogenetic location: 13q34.
Variant type: single nucleotide variant.
Coding change: c.1025A>T on transcript NM_001845.6 (MANE Select); coding-DNA position 1025, A replaced by T.
Protein change: p.Glu342Val; replaces glutamic acid 342 with valine.
Molecular consequence: missense variant.
Genome position (GRCh38, 1-based): chr13:110,201,497, T>A on the plus strand (A>T on the coding strand, the complement: COL4A1 is on the minus strand). VCF-style: chr13-110201497-T-A. GRCh37 (hg19) VCF-style: chr13-110853844-T-A.
Other names: c.1025A>T, p.Glu342Val (NM_001303110.2); c.1025A>T (NM_001845.4); short protein forms E342V.
Identifiers: ClinVar variation 2962819 (VCV002962819.4), dbSNP rs776005542, ClinGen allele CA7048111.

ClinVar aggregate classification (germline): Uncertain significance. Review status: criteria provided, multiple submitters, no conflicts (2 of 4 stars). 2 submissions from 2 submitters: Uncertain significance (2). Last evaluated 2026-03-12.

Conditions:
Inborn genetic diseases. Identifiers: MedGen C0950123, MeSH D030342.

Allele frequency attached by ClinVar (database versions not stated): ExAC 0.00001; TOPMed 0.00002.

Submissions (2):

Ambry Genetics
Classification: Uncertain significance for Inborn genetic diseases. Last evaluated: 2026-03-12. Review status: criteria provided, single submitter. Criteria: Ambry Variant Classification Scheme 2023. Collection method: clinical testing. Allele origin: germline.

Labcorp Genetics (formerly Invitae), Labcorp
Classification: Uncertain significance. Last evaluated: 2023-12-19. Review status: criteria provided, single submitter. Criteria: Invitae Variant Classification Sherloc (09022015). Collection method: clinical testing. Allele origin: germline.
Comment: This sequence change replaces glutamic acid, which is acidic and polar, with valine, which is neutral and non-polar, at codon 342 of the COL4A1 protein (p.Glu342Val). This variant is not present in population databases (gnomAD no frequency). This variant has not been reported in the literature in individuals affected with COL4A1-related conditions. Advanced modeling of protein sequence and biophysical properties (such as structural, functional, and spatial information, amino acid conservation, physicochemical variation, residue mobility, and thermodynamic stability) performed at Invitae indicates that this missense variant is not expected to disrupt COL4A1 protein function with a negative predictive value of 95%. In summary, the available evidence is currently insufficient to determine the role of this variant in disease. Therefore, it has been classified as a Variant of Uncertain Significance.